The following is an entry in ClinVar:

NM_170707.4(LMNA):c.154C>G (p.Leu52Val)

Gene: LMNA (lamin A/C; plus strand). Cytogenetic location: 1q22.
Variant type: single nucleotide variant.
Coding change: c.154C>G on transcript NM_170707.4 (MANE Select); coding-DNA position 154, C replaced by G.
Protein change: p.Leu52Val; replaces leucine 52 with valine.
Molecular consequence: missense variant.
Genome position (GRCh38, 1-based): chr1:156,115,072, C>G. VCF-style: chr1-156115072-C-G. GRCh37 (hg19) VCF-style: chr1-156084863-C-G.
Other names: c.154C>G, p.Leu52Val (NM_001282625.2, NM_001282626.2, NM_005572.4 and 1 more transcripts); c.154C>G (NM_170707.3); short protein forms L52V.
Identifiers: ClinVar variation 48042 (VCV000048042.6), dbSNP rs397517895, ClinGen allele CA017415.

ClinVar aggregate classification (germline): Likely pathogenic. Review status: criteria provided, multiple submitters, no conflicts (2 of 4 stars). 2 submissions from 2 submitters: Likely pathogenic (2). Last evaluated 2025-07-29.

Conditions:
Cardiovascular phenotype. Identifiers: MedGen CN230736.
Primary dilated cardiomyopathy (DCM). Also called: Dilated Cardiomyopathy. Identifiers: Orphanet 217604, MedGen C0007193, MeSH D002311, MONDO:0005021, HP:0001644. Inheritance: Various modes of inheritance.

Submissions (2):

Molecular Diagnostic Laboratory for Inherited Cardiovascular Disease, Montreal Heart Institute
Classification: Likely pathogenic for Cardiovascular phenotype. Last evaluated: 2025-07-29. Review status: criteria provided, single submitter. Criteria: ACMG Guidelines, 2015. Collection method: clinical testing. Allele origin: germline. Affected: yes.
Comment: PM2, PP1_mod, PS4_supp, PP2, PP3

Laboratory for Molecular Medicine, Mass General Brigham Personalized Medicine
Classification: Likely pathogenic for Primary dilated cardiomyopathy. Last evaluated: 2022-03-02. Review status: criteria provided, single submitter. Criteria: ACMG Guidelines, 2015. Collection method: clinical testing. Allele origin: germline. Inheritance: Autosomal dominant inheritance.
Comment: The p.Leu52Val variant in LMNA has been reported in 1 individual with dilated cardiomyopathy and segregated with disease in at least 7 affected relatives, including at least 2 obligate carriers (Walsh 2017 PMID: 27532257, LMM data). It was absent from large population studies. Computational prediction tools and conservation analyses suggest that this variant may impact the protein, though this information is not predictive enough to determine pathogenicity. In summary, although additional studies are required to fully establish its clinical significance, this variant meets criteria to be classified as likely pathogenic for autosomal dominant dilated cardiomyopathy. ACMG/AMP Criteria applied: PP1_Strong, PM2_Supporting, PP3.

Literature cited by the submitters: PubMed 27532257 (cited by Laboratory for Molecular Medicine, Mass General Brigham Personalized Medicine).